The following is an entry in ClinVar:

NM_000179.3(MSH6):c.3859_3867del (p.Tyr1287_Phe1289del)

Gene: MSH6 (mutS homolog 6; plus strand). Cytogenetic location: 2p16.3.
Variant type: Deletion.
Coding change: c.3859_3867del on transcript NM_000179.3 (MANE Select); coding-DNA positions 3859 to 3867, 9 bases deleted (TATAAATTC; older notation c.3859_3867delTATAAATTC).
Protein change: p.Tyr1287_Phe1289del.
Molecular consequence: inframe deletion.
Genome position (GRCh38, 1-based): chr2:47,806,509-47,806,517, TATAAATTC deleted; deleting any 9 consecutive bases within chr2:47,806,507-47,806,517 gives the same sequence; the c. name uses the placement nearest the transcript's 3' end. VCF-style (leftmost placement, unchanged base first): chr2-47806506-CTCTATAAAT-C. GRCh37 (hg19) VCF-style: chr2-48033645-CTCTATAAAT-C.
Other names: c.3469_3477del, p.Tyr1157_Phe1159del (NM_001281492.2); c.2953_2961del, p.Tyr985_Phe987del (NM_001281493.2, NM_001281494.2).
Identifiers: ClinVar variation 1319034 (VCV001319034.2), dbSNP rs2104556094, ClinGen allele CA2573051975.

ClinVar aggregate classification (germline): Uncertain significance (1 of 4 stars; one submission).

Submission:

GeneDx
Classification: Uncertain significance. Last evaluated: 2019-04-18. Review status: criteria provided, single submitter. Criteria: GeneDx Variant Classification Process June 2021. Collection method: clinical testing. Allele origin: germline. Affected: yes.
Comment: Not observed in large population cohorts (Lek et al., 2016); In-frame deletion of 3 amino acids in a non-repeat region; Has not been previously published as pathogenic or benign to our knowledge